The following is an entry in ClinVar:

NM_001165963.4(SCN1A):c.4002+2540T>C

Genes: SCN1A (sodium voltage-gated channel alpha subunit 1; minus strand), LOC102724058 (uncharacterized LOC102724058; plus strand). Cytogenetic location: 2q24.3.
Variant type: single nucleotide variant.
Coding change: c.4002+2540T>C on transcript NM_001165963.4 (MANE Select); 2540 bases into the intron after coding-DNA position 4002, T replaced by C.
Molecular consequence: intron variant.
Genome position (GRCh38, 1-based): chr2:166,007,179, A>G on the plus strand (T>C on the coding strand, the complement: SCN1A is on the minus strand). VCF-style: chr2-166007179-A-G. GRCh37 (hg19) VCF-style: chr2-166863689-A-G.
Other names: c.3969+2540T>C (NM_001353949.2, NM_001353950.2, NM_001353951.2 and 2 more transcripts); c.3918+2540T>C (NM_001353958.2, NM_001353957.2, NM_001165964.3); c.4002+2540T>C (NM_001202435.3, NM_001353948.2); c.3966+2540T>C (NM_001353955.2, NM_001353954.2); c.3915+2540T>C (NM_001353960.2); c.1560+2540T>C (NM_001353961.2).
Identifiers: ClinVar variation 1646832 (VCV001646832.9), dbSNP rs960944425, ClinGen allele CA59771535.

ClinVar aggregate classification (germline): Uncertain significance (1 of 4 stars; one submission).

Conditions:
Early-infantile DEE. Also called: Ohtahara syndrome; Early infantile epileptic encephalopathy; Early infantile epileptic encephalopathy with suppression bursts. Identifiers: Orphanet 1934, MedGen C0393706, MONDO:0800491.

Allele frequency attached by ClinVar (database versions not stated): TOPMed 0.00006; gnomAD 0.00008.

Submission:

Labcorp Genetics (formerly Invitae), Labcorp
Classification: Uncertain significance for Early-infantile DEE. Last evaluated: 2025-04-21. Review status: criteria provided, single submitter. Criteria: Invitae Variant Classification Sherloc (09022015). Collection method: clinical testing. Allele origin: germline.
Comment: This sequence change falls in intron 20 of the SCN1A gene. It does not directly change the encoded amino acid sequence of the SCN1A protein. However, this sequence change falls within a region encompassing a cryptic exon in the SCN1A gene, in which variants have been shown to alter splicing (PMID: 30526861, 34107977). This variant is present in population databases (no rsID available, gnomAD 0.007%). This variant has been observed in individuals with clinical features of developmental and epileptic encephalopathy (internal data). ClinVar contains an entry for this variant (Variation ID: 1646832). Algorithms developed to predict the effect of sequence changes on RNA splicing suggest that this variant is not likely to affect RNA splicing. In summary, the available evidence is currently insufficient to determine the role of this variant in disease. Therefore, it has been classified as a Variant of Uncertain Significance.

Literature cited by the submitters: PubMed 30526861; PubMed 34107977.